The following continues an entry in ClinVar:

NM_000179.3(MSH6):c.3758T>A (p.Val1253Glu)

Gene: MSH6. ClinVar aggregate classification (germline): Conflicting classifications of pathogenicity. Uncertain significance (16); Likely benign (4).

Submissions 9 to 21 of 21:

Ambry Genetics
Classification: Uncertain significance for Hereditary cancer-predisposing syndrome. Last evaluated: 2024-08-01. Review status: criteria provided, single submitter. Criteria: Ambry Variant Classification Scheme 2023. Collection method: clinical testing. Allele origin: germline.
Comment: The p.V1253E variant (also known as c.3758T>A), located in coding exon 8 of the MSH6 gene, results from a T to A substitution at nucleotide position 3758. The valine at codon 1253 is replaced by glutamic acid, an amino acid with dissimilar properties. This alteration has been reported in multiple cohorts of patients undergoing multigene panel testing, including individuals diagnosed with a Lynch syndrome-associated cancer and/or polyps (Tsaousis GN et al. BMC Cancer. 2019 Jun;19:535; Yehia L et al. PLoS Genet. 2018 04;14:e1007352; Yurgelun MB et al. Gastroenterology. 2015 Sep;149:604-13.e20; Young EL et al. BMC Cancer. 2018 Jun;18:697). Additionally, this alteration was identified in 1/2515 controls and 0/165 individuals with colorectal cancer and/or polyps (Rosenthal EA et al. Hum. Genet. 2018 Oct;137:795-806). This amino acid position is highly conserved in available vertebrate species. In addition, this alteration is predicted to be deleterious by in silico analysis. Based on the available evidence, the clinical significance of this variant remains unclear.

CeGaT Center for Human Genetics Tuebingen
Classification: Likely benign. Last evaluated: 2024-06-01. Review status: criteria provided, single submitter. Criteria: CeGaT Center For Human Genetics Tuebingen Variant Classification Criteria Version 2. Collection method: clinical testing. Allele origin: germline. Affected: yes. Observed: 2 variant alleles.
Comment: MSH6: BP1, BS1:Supporting

Color Diagnostics, LLC DBA Color Health
Classification: Uncertain significance for Hereditary cancer-predisposing syndrome. Last evaluated: 2024-04-04. Review status: criteria provided, single submitter. Criteria: ACMG Guidelines, 2015. Collection method: clinical testing. Allele origin: germline.
Comment: This missense variant replaces valine with glutamic acid at codon 1253 of the MSH6 protein. Computational prediction tool suggests that this variant may have deleterious impact on protein structure and function. To our knowledge, functional studies have not been performed for this variant. This variant has been reported in individuals affected with Lynch syndrome-associated cancer and/or polyps (PMID: 25142776, 25980754) and other non-Lynch or unspecified cancers (PMID: 26689913, 29684080, 31921681, 31391288), and in an unaffected individual (PMID: 31422574). This variant has also been identified in 42/282588 chromosomes in the general population by the Genome Aggregation Database (gnomAD). The available evidence is insufficient to determine the role of this variant in disease conclusively. Therefore, this variant is classified as a Variant of Uncertain Significance.

Baylor Genetics
Classification: Uncertain significance for Endometrial carcinoma. Last evaluated: 2024-03-25. Review status: criteria provided, single submitter. Criteria: ACMG Guidelines, 2015. Collection method: clinical testing. Allele origin: unknown.

GeneDx
Classification: Uncertain significance. Last evaluated: 2024-03-12. Review status: criteria provided, single submitter. Criteria: GeneDx Variant Classification Process June 2021. Collection method: clinical testing. Allele origin: germline. Affected: yes.
Comment: In silico analysis supports that this missense variant has a deleterious effect on protein structure/function; Observed in individuals with colorectal, ovarian, breast, or other cancers, as well as in unaffected control groups (PMID: 29684080, 25142776, 26689913, 29945567, 33471991, 34326862, 35980532); This variant is associated with the following publications: (PMID: 28166811, 22949387, 23621914, 25142776, doi:10.5923/j.bioinformatics.20160602.03, 29684080, 25980754, 29945567, 31159747, 26689913, 31422574, 31391288, 31332305, 31921681, 30267214, 34445333, 33471991, Giacomazzi2022[preprint], 17531815, 21120944, 35980532, 36461907, 34326862)

Fulgent Genetics
Classification: Uncertain significance for Endometrial carcinoma; Lynch syndrome 5; Mismatch repair cancer syndrome 3. Last evaluated: 2024-02-22. Review status: criteria provided, single submitter. Criteria: ACMG Guidelines, 2015. Collection method: clinical testing. Allele origin: germline.

Quest Diagnostics Nichols Institute San Juan Capistrano
Classification: Uncertain significance. Last evaluated: 2023-12-13. Review status: criteria provided, single submitter. Criteria: Quest Diagnostics criteria. Collection method: clinical testing. Allele origin: unknown.
Comment: The MSH6 c.3758T>A (p.Val1253Glu) variant has been reported in the published literature in individuals with colorectal cancer (PMID: 25142776 (2015)), Lynch syndrome-associated cancer and/or polyps (PMID: 25980754 (2015)), renal cancer (PMID: 26689913 (2015)), breast and/or ovarian cancer (PMID: 26689913 (2015), 31921681 (2019), 33471991 (2021) see also LOVD, 35980532 (2022)), and hereditary cancer syndrome (PMID: 34326862 (2021)). This variant has also been reported in unaffected individuals (PMID: 31422574 (2019), 33471991 (2021), see also LOVD). In addition, this variant was determined to be a variant of uncertain significance (VUS) based on a multifactorial prediction model (PMID: 31391288 (2020)), and was also found to have no effect on RNA splicing (PMID: 34445333 (2021)). The frequency of this variant in the general population, 0.00044 (11/25120 chromosomes in European (Finnish) subpopulation (Genome Aggregation Database)), is higher than would generally be expected for pathogenic variants in this gene. Analysis of this variant using bioinformatics tools for the prediction of the effect of amino acid changes on protein structure and function yielded predictions that this variant is damaging. Based on the available information, we are unable to determine the clinical significance of this variant.

Sema4
Classification: Uncertain significance for Hereditary cancer-predisposing syndrome. Last evaluated: 2022-02-02. Review status: criteria provided, single submitter. Criteria: Sema4 Curation Guidelines. Collection method: curation. Allele origin: germline.
Comment: The MSH6 c.3758T>A (p.V1253E) variant has been reported in at least three individuals with colorectal cancer, Lynch Syndrome, and breast or ovarian cancer (PMID: 25142776, 31332305, 31159747). This variant was observed in 11/25120 chromosomes, including no homozygotes, in the Finnish population according to the Genome Aggregation Database (PMID: 32461654). This variant has been reported in ClinVar (Variation ID: 127591). Functional studies have not been performed, and in silico predictions of the variant's effect on protein function are inconclusive. The evidence is insufficient to meet ACMG/AMP criteria for classifying the variant as benign or pathogenic. Thus, the clinical significance of this variant is currently uncertain.

Institute for Clinical Genetics, University Hospital TU Dresden, University Hospital TU Dresden
Classification: Uncertain significance. Last evaluated: 2021-11-03. Review status: criteria provided, single submitter. Criteria: ACMG Guidelines, 2015. Collection method: clinical testing. Allele origin: germline.

GeneKor MSA
Classification: Uncertain significance for Hereditary cancer-predisposing syndrome. Last evaluated: 2018-08-01. Review status: criteria provided, single submitter. Criteria: ACMG Guidelines, 2015. Collection method: clinical testing. Allele origin: germline. Affected: yes.

Illumina Laboratory Services, Illumina
Classification: Uncertain significance for Lynch syndrome 5. Last evaluated: 2017-10-12. Review status: criteria provided, single submitter. Criteria: ICSL Variant Classification Criteria 13 December 2019. Collection method: clinical testing. Allele origin: germline.
Comment: This variant was observed as part of a predisposition screen in an ostensibly healthy population. A literature search was performed for the gene, cDNA change, and amino acid change (where applicable). Publications were found based on this search. However, the evidence from the literature, in combination with allele frequency data from public databases where available, was not sufficient to rule this variant in or out of causing disease. Therefore, this variant is classified as a variant of unknown significance.

Laboratory for Molecular Medicine, Mass General Brigham Personalized Medicine
Classification: Uncertain significance. Last evaluated: 2016-10-26. Review status: criteria provided, single submitter. Criteria: LMM Criteria. Collection method: clinical testing. Allele origin: germline.
Comment: Variant identified in a genome or exome case(s) and assessed due to predicted null impact of the variant or pathogenic assertions in the literature or databases. Disclaimer: This variant has not undergone full assessment. MaxMAF is 0.09%. Classified as DM? in HGMD. Classified in ClinVar as VUS by Invitae, Ambry, GeneDx (2 stars). MAF is greater than or equal to disease prevalence

Department of Pathology and Laboratory Medicine, Sinai Health System
Classification: Uncertain significance for Malignant tumor of breast. Review status: no assertion criteria provided. Collection method: clinical testing. Allele origin: unknown. Affected: yes. Observed: 1 variant allele. Study: The Canadian Open Genetics Repository (COGR). Not counted in ClinVar's aggregate classification.
Comment: The MSH6 p.Val1253Glu variant was identified in 1 of 304 proband chromosomes (frequency: 0.003) from individuals or families with colorectal cancer (Kraus 2014). The variant was also identified in dbSNP (ID: rs202066386) as "With Uncertain significance alleleâ€šÃ„Ã¹, ClinVar (classified as uncertain significance by Invitae, GeneDx, Ambry Genetics, and three other submitters), and in UMD-LSDB. The variant was identified in control databases in 41 of 276934 chromosomes at a frequency of 0.0002 (Genome Aggregation Database Feb 27, 2017). The variant was observed in the following populations: Other in 5 of 6460 chromosomes (freq: 0.0008), Latino in 1 of 34382 chromosomes (freq: 0.00002), European in 25 of 126474 chromosomes (freq: 0.0002), Finnish in 10 of 25788 chromosomes (freq: 0.0004); it was not observed in the African, Ashkenazi Jewish, East Asian, or South Asian populations. An experimental study on predicting the impact of unclassified genetic variants in MSH6 by the combination of different properties of the protein identified the p.Val1253Glu has an impact on MSH6 (Terui 2013). The p.Val1253 residue is conserved across mammals and other organisms, and computational analyses (PolyPhen-2, SIFT, AlignGVGD, BLOSUM, MutationTaster) suggest that the variant may impact the protein; however, this information is not predictive enough to assume pathogenicity. The variant occurs outside of the splicing consensus sequence and 1 of 4 in silico or computational prediction software programs (SpliceSiteFinder, MaxEntScan, NNSPLICE, GeneSplicer) predict a greater than 10% difference in splicing; this is not very predictive of pathogenicity. In summary, based on the above information the clinical significance of this variant cannot be determined with certainty at this time. This variant is classified as a variant of uncertain significance.

Literature cited by the submitters: PubMed 25142776 (cited by 8 submitters); PubMed 31332305 (cited by 3 submitters); PubMed 27363726 (cited by Myriad Genetics, Inc.); PubMed 23621914 (cited by 3 submitters); PubMed 25980754 (cited by 6 submitters); PubMed 26689913 (cited by 6 submitters); PubMed 29945567 (cited by Women's Health and Genetics/Laboratory Corporation of America, LabCorp and Ambry Genetics); PubMed 29684080 (cited by 5 submitters); PubMed 31422574 (cited by 4 submitters); PubMed 31159747 (cited by 3 submitters); PubMed 31391288 (cited by 4 submitters); PubMed 31921681 (cited by 4 submitters); PubMed 33471991 (cited by Women's Health and Genetics/Laboratory Corporation of America, LabCorp and Quest Diagnostics Nichols Institute San Juan Capistrano); PubMed 34445333 (cited by Women's Health and Genetics/Laboratory Corporation of America, LabCorp and Quest Diagnostics Nichols Institute San Juan Capistrano); PubMed 35980532 (cited by Women's Health and Genetics/Laboratory Corporation of America, LabCorp and Quest Diagnostics Nichols Institute San Juan Capistrano); PubMed 30267214 (cited by Women's Health and Genetics/Laboratory Corporation of America, LabCorp and Ambry Genetics); PubMed 38893230 (cited by Women's Health and Genetics/Laboratory Corporation of America, LabCorp); PubMed 34326862 (cited by Quest Diagnostics Nichols Institute San Juan Capistrano).